The following is an entry in ClinVar:

Conditions:
Breast-ovarian cancer, familial, susceptibility to, 1 (BROVCA1). Also called: BRCA1 Hereditary Breast and Ovarian Cancer; OVARIAN CANCER, SUSCEPTIBILITY TO. Identifiers: Orphanet 145, MedGen C2676676, MONDO:0011450, OMIM 604370. Disease mechanism: loss of function.

Submission:

Brotman Baty Institute, University of Washington
No classification provided (evidence only). Condition: Breast-ovarian cancer, familial 1. Review status: no classification provided. Collection method: in vitro. Allele origin: not applicable. Functional consequence: functionally_normal.
ClinVar note: "not provided" was previously submitted as the classification for the variant. However, the classification appeared to be based only on an observation of functional data so it was converted to no classification on 2025-07-30.

NM_007294.4(BRCA1):c.5487G>T (p.Glu1829Asp)

Gene: BRCA1 (BRCA1 DNA repair associated; minus strand). Cytogenetic location: 17q21.31.
Variant type: single nucleotide variant.
Coding change: c.5487G>T on transcript NM_007294.4 (MANE Select); coding-DNA position 5487, G replaced by T.
Protein change: p.Glu1829Asp; replaces glutamic acid 1829 with aspartic acid.
Molecular consequence: missense variant. On other transcripts: 3 prime UTR variant (1), non-coding transcript variant (1).
Genome position (GRCh38, 1-based): chr17:43,045,783, C>A on the plus strand (G>T on the coding strand, the complement: BRCA1 is on the minus strand). VCF-style: chr17-43045783-C-A. GRCh37 (hg19) VCF-style: chr17-41197800-C-A.
Other names: c.5484G>T, p.Glu1828Asp (NM_001407619.1, NM_001407620.1, NM_001407621.1 and 14 more transcripts); c.5481G>T, p.Glu1827Asp (NM_001407627.1, NM_001407628.1, NM_001407638.1 and 13 more transcripts); c.5478G>T, p.Glu1826Asp (NM_001407644.1, NM_001407645.1); c.5475G>T, p.Glu1825Asp (NM_001407646.1); c.5472G>T, p.Glu1824Asp (NM_001407647.1); c.5430G>T, p.Glu1810Asp (NM_001407648.1); c.5346G>T, p.Glu1782Asp (NM_001407724.1, NM_001407725.1, NM_001407726.1 and 12 more transcripts); c.5343G>T, p.Glu1781Asp (NM_001407732.1, NM_001407733.1, NM_001407743.1 and 18 more transcripts); and 74 more; short protein forms E1829D, E1850D, E725D, E1782D, E1532D, E1701D, E1702D, E1718D.
Identifiers: ClinVar variation 868983 (VCV000868983.3), dbSNP rs2050884436, ClinGen allele CA10590329.
Genomic context (GRCh38, chr17:43,045,783, plus strand): 5'-CTCCTGGCACTGGTAGAGTGCTACACTGTCCAACACCCACTCTCGGGTCACCACAGGTGC[C>A]TCACACATCTGCCCAATTGCTGGAGACAGAGAACACAAGCAGAGATTAGTGTCAATTCAT-3'
Protein context (NP_009225.1, residues 1819-1839): NGFHAIGQMC[Glu1829Asp]APVVTREWVL